The following is an entry in ClinVar:

ClinVar aggregate classification (germline): Uncertain significance (1 of 4 stars; one submission).

Allele frequency attached by ClinVar (database versions not stated): gnomAD 0.00003; TOPMed 0.00004; ESP Exome Variant Server 0.00008; ExAC 0.00010.
gnomAD v4.1: 75 of 1,613,704 alleles (0.0046%); highest among the groups gnomAD compares: African/African-American, 0.0067%; no homozygotes.

Submission:

Labcorp Genetics (formerly Invitae), Labcorp
Classification: Uncertain significance. Last evaluated: 2024-10-22. Review status: criteria provided, single submitter. Criteria: Invitae Variant Classification Sherloc (09022015). Collection method: clinical testing. Allele origin: germline.
Comment: This sequence change replaces arginine, which is basic and polar, with histidine, which is basic and polar, at codon 461 of the FLRT3 protein (p.Arg461His). This variant is present in population databases (rs147588771, gnomAD 0.01%). This variant has not been reported in the literature in individuals affected with FLRT3-related conditions. ClinVar contains an entry for this variant (Variation ID: 2136720). Invitae Evidence Modeling of protein sequence and biophysical properties (such as structural, functional, and spatial information, amino acid conservation, physicochemical variation, residue mobility, and thermodynamic stability) indicates that this missense variant is not expected to disrupt FLRT3 protein function with a negative predictive value of 80%. In summary, the available evidence is currently insufficient to determine the role of this variant in disease. Therefore, it has been classified as a Variant of Uncertain Significance.

NM_198391.3(FLRT3):c.1382G>A (p.Arg461His)

Genes: FLRT3 (fibronectin leucine rich transmembrane protein 3; minus strand), MACROD2 (mono-ADP ribosylhydrolase 2; plus strand). Cytogenetic location: 20p12.1.
Variant type: single nucleotide variant.
Coding change: c.1382G>A on transcript NM_198391.3 (MANE Select); coding-DNA position 1382, G replaced by A.
Protein change: p.Arg461His; replaces arginine 461 with histidine.
Molecular consequence: missense variant. On other transcripts: intron variant (3).
Genome position (GRCh38, 1-based): chr20:14,326,125, C>T on the plus strand (G>A on the coding strand, the complement: FLRT3 is on the minus strand). VCF-style: chr20-14326125-C-T. GRCh37 (hg19) VCF-style: chr20-14306771-C-T.
Other names: c.1382G>A, p.Arg461His (NM_013281.4); c.272-167354C>T (NM_001351661.2, NM_001351663.2, NM_080676.6); short protein forms R461H.
Identifiers: ClinVar variation 2136720 (VCV002136720.4), dbSNP rs147588771, ClinGen allele CA9768908.